The following is an entry in ClinVar:

ClinVar aggregate classification (germline): Uncertain significance. Review status: criteria provided, multiple submitters, no conflicts (2 of 4 stars). 2 submissions from 2 submitters: Uncertain significance (2). Last evaluated 2025-07-30.

Conditions:
Inborn genetic diseases. Identifiers: MedGen C0950123, MeSH D030342.

gnomAD v4.1: 11 of 1,614,224 alleles (0.00068%); highest among the groups gnomAD compares: South Asian, 0.0055%; no homozygotes.

Submissions (2):

Mayo Clinic Laboratories, Mayo Clinic
Classification: Uncertain significance. Last evaluated: 2025-07-30. Review status: criteria provided, single submitter. Criteria: ACMG Guidelines, 2015. Collection method: clinical testing. Allele origin: germline. Observed: 1 variant allele.
Comment: BP4

Ambry Genetics
Classification: Uncertain significance for Inborn genetic diseases. Last evaluated: 2025-01-23. Review status: criteria provided, single submitter. Criteria: Ambry Variant Classification Scheme 2023. Collection method: clinical testing. Allele origin: germline.

NM_006096.4(NDRG1):c.136G>A (p.Val46Ile)

Gene: NDRG1 (N-myc downstream regulated 1; minus strand). Cytogenetic location: 8q24.22.
Variant type: single nucleotide variant.
Coding change: c.136G>A on transcript NM_006096.4 (MANE Select); coding-DNA position 136, G replaced by A.
Protein change: p.Val46Ile; replaces valine 46 with isoleucine.
Molecular consequence: missense variant. On other transcripts: 5 prime UTR variant (2), intron variant (1).
Genome position (GRCh38, 1-based): chr8:133,264,616, C>T on the plus strand (G>A on the coding strand, the complement: NDRG1 is on the minus strand). VCF-style: chr8-133264616-C-T. GRCh37 (hg19) VCF-style: chr8-134276859-C-T.
Other names: p.Val46Ile; c.136G>A, p.Val46Ile (NM_001135242.2, NM_001374844.1, NM_001374845.1 and 1 more transcripts); c.-63G>A (NM_001258432.2, NM_001374847.1); c.-38-2449G>A (NM_001258433.2); short protein forms V46I.
Identifiers: ClinVar variation 3878426 (VCV003878426.2).